The following is an entry in ClinVar:

NM_015443.4(KANSL1):c.895C>T (p.Arg299Cys)

Gene: KANSL1 (KAT8 regulatory NSL complex subunit 1). Cytogenetic location: 17q21.31.
Variant type: single nucleotide variant.
Coding change: c.895C>T on transcript NM_015443.4 (MANE Select); coding-DNA position 895, C replaced by T.
Protein change: p.Arg299Cys; replaces arginine 299 with cysteine.
Molecular consequence: missense variant.
Genome position (GRCh38, 1-based): chr17:46,171,249, G>A on the plus strand (C>T on the coding strand, the complement: KANSL1 is on the minus strand). VCF-style: chr17-46171249-G-A. GRCh37 (hg19) VCF-style: chr17-44248615-G-A.
Other names: p.R299C:CGC>TGC; c.895C>T, p.Arg299Cys (NM_001193465.2, NM_001193466.2, NM_001379198.1); short protein forms R299C.
Identifiers: ClinVar variation 205808 (VCV000205808.6), dbSNP rs755353984, ClinGen allele CA315243.

ClinVar aggregate classification (germline): Conflicting classifications of pathogenicity. Review status: criteria provided, conflicting classifications (1 of 4 stars). 3 submissions from 3 submitters: Uncertain significance (2); Likely benign (1). Last evaluated 2021-08-29.

Conditions:
Inborn genetic diseases. Identifiers: MedGen C0950123, MeSH D030342.
Koolen-de Vries syndrome (KDVS). Identifiers: Orphanet 96169, MedGen C1864871, MONDO:0012496, OMIM 610443.

Allele frequency attached by ClinVar (database versions not stated): ExAC 0.00001; gnomAD 0.00001; gnomAD exomes 0.00001; TOPMed 0.00004.
gnomAD v4.1: 17 of 1,613,934 alleles (0.0011%); highest among the groups gnomAD compares: African/African-American, 0.0053%; no homozygotes.

Submissions (3):

Labcorp Genetics (formerly Invitae), Labcorp
Classification: Uncertain significance for Koolen-de Vries syndrome. Last evaluated: 2021-08-29. Review status: criteria provided, single submitter. Criteria: Invitae Variant Classification Sherloc (09022015). Collection method: clinical testing. Allele origin: germline.
Comment: Due to the possible presence of a polymorphic segmental duplication, the location of the variant could not be unambiguously resolved. Variants with ambiguous mapping are still reported relative to the KANSL1 transcript. This sequence change replaces arginine with cysteine at codon 299 of the KANSL1 protein (p.Arg299Cys). The arginine residue is highly conserved and there is a large physicochemical difference between arginine and cysteine. The frequency data for this variant in the population databases (ExAC) is considered unreliable due to the presence of homologous sequence, such as pseudogenes or paralogs, in the genome. This variant has not been reported in the literature in individuals with KANSL1-related conditions. ClinVar contains an entry for this variant (Variation ID: 205808). Algorithms developed to predict the effect of missense changes on protein structure and function (SIFT, PolyPhen-2, Align-GVGD) all suggest that this variant is likely to be disruptive. Until the location of this sequence change can be resolved, the clinical significance of this variant remains uncertain. It has been classified as a Variant of Uncertain Significance.

GeneDx
Classification: Likely benign. Last evaluated: 2017-09-06. Review status: criteria provided, single submitter. Criteria: GeneDx Variant Classification (06012015). Collection method: clinical testing. Allele origin: germline. Affected: yes.
Comment: This variant is considered likely benign or benign based on one or more of the following criteria: it is a conservative change, it occurs at a poorly conserved position in the protein, it is predicted to be benign by multiple in silico algorithms, and/or has population frequency not consistent with disease.

Ambry Genetics
Classification: Uncertain significance for Inborn genetic diseases. Last evaluated: 2016-01-27. Review status: criteria provided, single submitter. Criteria: Ambry exome assertion method (8-5-2015). Collection method: clinical testing. Allele origin: germline. Affected: yes. Observed: 1 variant allele.